The following is an entry in ClinVar:

NM_152617.4(RNF168):c.1058G>C (p.Ser353Thr)

Gene: RNF168 (ring finger protein 168; minus strand). Cytogenetic location: 3q29.
Variant type: single nucleotide variant.
Coding change: c.1058G>C on transcript NM_152617.4 (MANE Select); coding-DNA position 1058, G replaced by C.
Protein change: p.Ser353Thr; replaces serine 353 with threonine.
Molecular consequence: missense variant.
Genome position (GRCh38, 1-based): chr3:196,472,477, C>G on the plus strand (G>C on the coding strand, the complement: RNF168 is on the minus strand). VCF-style: chr3-196472477-C-G. GRCh37 (hg19) VCF-style: chr3-196199348-C-G.
Other names: short protein forms S353T.
Identifiers: ClinVar variation 2812566 (VCV002812566.3), dbSNP rs2474275304, ClinGen allele CA355617324.
Genomic context (GRCh38, chr3:196,472,477, plus strand): 5'-TCTGTCTCACCTGTGTTGTTTCCATTTGTCTGTGTCACCCCTGATGTGGGGGCGCACCCA[C>G]TTTCTGTTCTGCCACAAGGCATAACTGCAGTTTCTTTCGAGTAGGGAACTCTGGTTTTAG-3'
Protein context (NP_689830.2, residues 343-363): TAVMPCGRTE[Ser353Thr]GCAPTSGVTQ

ClinVar aggregate classification (germline): Uncertain significance (1 of 4 stars; one submission).

Submission:

Labcorp Genetics (formerly Invitae), Labcorp
Classification: Uncertain significance. Last evaluated: 2022-11-08. Review status: criteria provided, single submitter. Criteria: Invitae Variant Classification Sherloc (09022015). Collection method: clinical testing. Allele origin: germline.
Comment: In summary, the available evidence is currently insufficient to determine the role of this variant in disease. Therefore, it has been classified as a Variant of Uncertain Significance. Algorithms developed to predict the effect of missense changes on protein structure and function (SIFT, PolyPhen-2, Align-GVGD) all suggest that this variant is likely to be tolerated. This variant has not been reported in the literature in individuals affected with RNF168-related conditions. This variant is not present in population databases (gnomAD no frequency). This sequence change replaces serine, which is neutral and polar, with threonine, which is neutral and polar, at codon 353 of the RNF168 protein (p.Ser353Thr).